The following is an entry in ClinVar:

NM_001360016.2(G6PD):c.1466C>T (p.Pro489Leu)

Gene: G6PD (glucose-6-phosphate dehydrogenase; minus strand). Cytogenetic location: Xq28.
Variant type: single nucleotide variant.
Coding change: c.1466C>T on transcript NM_001360016.2 (MANE Select); coding-DNA position 1466, C replaced by T.
Protein change: p.Pro489Leu; replaces proline 489 with leucine.
Molecular consequence: missense variant.
Genome position (GRCh38, 1-based): chrX:154,532,082, G>A on the plus strand (C>T on the coding strand, the complement: G6PD is on the minus strand). VCF-style: chrX-154532082-G-A. GRCh37 (hg19) VCF-style: chrX-153760297-G-A.
Other names: G6PD Arakawa; c.1556C>T, p.Pro519Leu (NM_000402.4); c.1466C>T, p.Pro489Leu (NM_001042351.3); short protein forms P489L, P519L.
Identifiers: ClinVar variation 1722689 (VCV001722689.5), dbSNP rs2523260637, ClinGen allele CA415232133.
Genomic context (GRCh38, chrX:154,532,082, plus strand): 5'-CACTTGTAGGTGCCCTCATACTGGAAACCCACTCTCTTCATCAGCTCGTCTGCCTCCGTG[G>A]GGCCTCGGCTGGAGAGTGACGGGTGGAGGAGAGGCATGAGGTAGCTCCACCCTCACCCCG-3'
Protein context (NP_001346945.1, residues 479-499): PIPYIYGSRG[Pro489Leu]TEADELMKRV

ClinVar aggregate classification (germline): Conflicting classifications of pathogenicity. Review status: criteria provided, conflicting classifications (1 of 4 stars). 3 submissions from 3 submitters: Pathogenic (1); Likely pathogenic (1); Uncertain significance (1). Last evaluated 2024-06-28.

Conditions:
Anemia, nonspherocytic hemolytic, due to G6PD deficiency (CNSHA1). Also called: Hemolytic anemia due to G6PD deficiency; Class I glucose-6-phosphate dehydrogenase deficiency; Favism, susceptibility to; ANEMIA, CONGENITAL, NONSPHEROCYTIC HEMOLYTIC, 1. Identifiers: Orphanet 466026, MedGen C2720289, MONDO:0010480, OMIM 300908.

Submissions (3):

Revvity Omics, Revvity
Classification: Likely pathogenic for Anemia, nonspherocytic hemolytic, due to G6PD deficiency. Last evaluated: 2024-06-28. Review status: criteria provided, single submitter. Criteria: ACMG Guidelines, 2015. Collection method: clinical testing. Allele origin: germline.

Labcorp Genetics (formerly Invitae), Labcorp
Classification: Uncertain significance for Anemia, nonspherocytic hemolytic, due to G6PD deficiency. Last evaluated: 2024-06-17. Review status: criteria provided, single submitter. Criteria: Invitae Variant Classification Sherloc (09022015). Collection method: clinical testing. Allele origin: germline.
Comment: This sequence change replaces proline, which is neutral and non-polar, with leucine, which is neutral and non-polar, at codon 489 of the G6PD protein (p.Pro489Leu). This variant is not present in population databases (gnomAD no frequency). This variant has not been reported in the literature in individuals affected with G6PD-related conditions. ClinVar contains an entry for this variant (Variation ID: 1722689). Advanced modeling of protein sequence and biophysical properties (such as structural, functional, and spatial information, amino acid conservation, physicochemical variation, residue mobility, and thermodynamic stability) performed at Invitae indicates that this missense variant is expected to disrupt G6PD protein function with a positive predictive value of 95%. In summary, the available evidence is currently insufficient to determine the role of this variant in disease. Therefore, it has been classified as a Variant of Uncertain Significance.

Dunham Lab, University of Washington
Classification: Pathogenic for Anemia, nonspherocytic hemolytic, due to G6PD deficiency. Last evaluated: 2022-08-12. Review status: criteria provided, single submitter. Criteria: Bayesian ACMG Guidelines, 2018. Collection method: curation. Allele origin: unknown. Affected: yes.
Comment: Severely deficieny activity (PS3). Within NADP structural site (PM1). Affects same amino acid as pathogenic 489P>S (ClinVar ID 811096) (PM5). Not found in gnomAD (PM2). Post_P 0.997 (odds of pathogenicity 3158, Prior_P 0.1).

Literature cited by the submitters: PubMed 9410474 (cited by Dunham Lab, University of Washington); PubMed 22293322 (cited by Dunham Lab, University of Washington).